The following is an entry in ClinVar:

NM_017636.4(TRPM4):c.1991G>T (p.Arg664Leu)

Gene: TRPM4 (transient receptor potential cation channel subfamily M member 4; plus strand). Cytogenetic location: 19q13.33.
Variant type: single nucleotide variant.
Coding change: c.1991G>T on transcript NM_017636.4 (MANE Select); coding-DNA position 1991, G replaced by T.
Protein change: p.Arg664Leu; replaces arginine 664 with leucine.
Molecular consequence: missense variant.
Genome position (GRCh38, 1-based): chr19:49,189,063, G>T. VCF-style: chr19-49189063-G-T. GRCh37 (hg19) VCF-style: chr19-49692320-G-T.
Other names: c.1991G>T, p.Arg664Leu (NM_001195227.2); c.1646G>T, p.Arg549Leu (NM_001321281.2); c.383G>T, p.Arg128Leu (NM_001321282.2); c.1469G>T, p.Arg490Leu (NM_001321283.2); c.929G>T, p.Arg310Leu (NM_001321285.2); short protein forms R549L, R664L, R490L, R128L, R310L.
Identifiers: ClinVar variation 1783978 (VCV001783978.5), dbSNP rs367897902, ClinGen allele CA406804138.

ClinVar aggregate classification (germline): Uncertain significance. Review status: criteria provided, multiple submitters, no conflicts (2 of 4 stars). 2 submissions from 2 submitters: Uncertain significance (2). Last evaluated 2025-06-13.

Conditions:
Cardiovascular phenotype. Identifiers: MedGen CN230736.

Submissions (2):

Women's Health and Genetics/Laboratory Corporation of America, LabCorp
Classification: Uncertain significance. Last evaluated: 2025-06-13. Review status: criteria provided, single submitter. Criteria: LabCorp Variant Classification Summary - May 2015. Collection method: clinical testing. Allele origin: germline.
Comment: Variant summary: TRPM4 c.1991G>T (p.Arg664Leu) results in a non-conservative amino acid change in the encoded protein sequence. Algorithms developed to predict the effect of missense changes on protein structure and function are either unavailable or do not agree on the potential impact of this missense change. The variant was absent in 249728 control chromosomes (gnomAD). The available data on variant occurrences in the general population are insufficient to allow any conclusion about variant significance. To our knowledge, no occurrence of c.1991G>T in individuals affected with Progressive Familial Heart Block Type 1B and no experimental evidence demonstrating its impact on protein function have been reported. ClinVar contains an entry for this variant (Variation ID: 1783978). Based on the evidence outlined above, the variant was classified as uncertain significance.

Ambry Genetics
Classification: Uncertain significance for Cardiovascular phenotype. Last evaluated: 2019-01-09. Review status: criteria provided, single submitter. Criteria: Ambry Variant Classification Scheme 2023. Collection method: clinical testing. Allele origin: germline.
Comment: The p.R664L variant (also known as c.1991G>T), located in coding exon 14 of the TRPM4 gene, results from a G to T substitution at nucleotide position 1991. The arginine at codon 664 is replaced by leucine, an amino acid with dissimilar properties. This amino acid position is highly conserved in available vertebrate species. In addition, the in silico prediction for this alteration is inconclusive. Since supporting evidence is limited at this time, the clinical significance of this alteration remains unclear.